The following is an entry in ClinVar:

NM_012437.6(SNAPIN):c.91G>T (p.Glu31Ter)

Gene: SNAPIN (SNAP associated protein; plus strand). Cytogenetic location: 1q21.3.
Variant type: single nucleotide variant.
Coding change: c.91G>T on transcript NM_012437.6 (MANE Select); coding-DNA position 91, G replaced by T.
Protein change: p.Glu31Ter; replaces glutamic acid 31 with a stop codon.
Molecular consequence: nonsense. On other transcripts: non-coding transcript variant (2).
Genome position (GRCh38, 1-based): chr1:153,658,834, G>T. VCF-style: chr1-153658834-G-T. GRCh37 (hg19) VCF-style: chr1-153631310-G-T.
Other names: SNAPIN, GLU31TER (SCV006305057); short protein forms E31*.
Identifiers: ClinVar variation 4075380 (VCV004075380.2).

ClinVar aggregate classification (germline): Pathogenic. Review status: criteria provided, single submitter (1 of 4 stars). 2 submissions from 2 submitters: Pathogenic (1). 1 of the submissions does not count toward it. Last evaluated 2024-06-27.

Conditions:
Neurodevelopmental disorder with structural brain abnormalities and craniofacial abnormalities. Identifiers: MedGen C6065924, MONDO:0980710, OMIM 621393.

Submissions (2):

Advanced Center For Translational And Genetic Medicine, Ann & Robert H. Lurie Children's Hospital Of Chicago
Classification: Pathogenic. Last evaluated: 2024-06-27. Review status: criteria provided, single submitter. Criteria: ACMG Guidelines, 2015. Collection method: research. Allele origin: biparental. Inheritance: Autosomal recessive inheritance. Affected: yes. Observed: 1 homozygote.
Comment: PVS1, PS3, PM2, PP3

OMIM
Classification: Pathogenic for NEURODEVELOPMENTAL DISORDER WITH STRUCTURAL BRAIN ABNORMALITIES AND CRANIOFACIAL ABNORMALITIES. Last evaluated: 2025-10-24. Review status: no assertion criteria provided. Collection method: literature only. Allele origin: germline. Not counted in ClinVar's aggregate classification.

Literature cited by the submitters: PubMed 40930097 (cited by OMIM).